The following is an entry in ClinVar:

ClinVar aggregate classification (germline): Uncertain significance (1 of 4 stars; one submission).

Conditions:
Hypertrophic cardiomyopathy. Also called: HYPERTROPHIC MYOCARDIOPATHY. Identifiers: Orphanet 217569, MedGen C0007194, MeSH D002312, MONDO:0005045, HP:0001639.

Submission:

Labcorp Genetics (formerly Invitae), Labcorp
Classification: Uncertain significance for Hypertrophic cardiomyopathy. Last evaluated: 2022-07-19. Review status: criteria provided, single submitter. Criteria: Invitae Variant Classification Sherloc (09022015). Collection method: clinical testing. Allele origin: germline.
Comment: In summary, the available evidence is currently insufficient to determine the role of this variant in disease. Therefore, it has been classified as a Variant of Uncertain Significance. ClinVar contains an entry for this variant (Variation ID: 1369841). This variant has not been reported in the literature in individuals affected with MYH7-related conditions. This variant is not present in population databases (gnomAD no frequency). This sequence change creates a premature translational stop signal (p.Gln1267*) in the MYH7 gene. It is expected to result in an absent or disrupted protein product. However, the current clinical and genetic evidence is not sufficient to establish whether loss-of-function variants in MYH7 cause disease.

NM_000257.4(MYH7):c.3799C>T (p.Gln1267Ter)

Gene: MYH7 (myosin heavy chain 7; minus strand). Cytogenetic location: 14q11.2.
Variant type: single nucleotide variant.
Coding change: c.3799C>T on transcript NM_000257.4 (MANE Select); coding-DNA position 3799, C replaced by T.
Protein change: p.Gln1267Ter; replaces glutamine 1267 with a stop codon.
Molecular consequence: nonsense.
Genome position (GRCh38, 1-based): chr14:23,419,537, G>A on the plus strand (C>T on the coding strand, the complement: MYH7 is on the minus strand). VCF-style: chr14-23419537-G-A. GRCh37 (hg19) VCF-style: chr14-23888746-G-A.
Other names: short protein forms Q1267*.
Identifiers: ClinVar variation 1369841 (VCV001369841.6), dbSNP rs2138652406, ClinGen allele CA389042043.